The following is an entry in ClinVar:

ClinVar aggregate classification (germline): Uncertain significance. Review status: criteria provided, multiple submitters, no conflicts (2 of 4 stars). 4 submissions from 4 submitters: Uncertain significance (4). Last evaluated 2026-09-09.

Conditions:
PLEC-related disorder. Also called: PLEC-related condition; PLEC-related disorders.
Epidermolysis bullosa simplex, Ogna type (EBS5A). Also called: EPIDERMOLYSIS BULLOSA SIMPLEX 5A, OGNA TYPE; Pidermolysis bullosa simplex 5A, Ogna type. Identifiers: Orphanet 79401, MedGen C0432317, MONDO:0007555, OMIM 131950.
Epidermolysis bullosa simplex 5C, with pyloric atresia (EBS5C). Also called: PLEC1-Related Epidermolysis Bullosa with Pyloric Atresia; PLEC-Related Epidermolysis Bullosa with Pyloric Atresia; Epidermolysis bullosa simplex with pyloric atresia. Identifiers: Orphanet 158684, MedGen C2677349, MONDO:0012807, OMIM 612138.
Autosomal recessive limb-girdle muscular dystrophy type 2Q (LGMDR17). Also called: MUSCULAR DYSTROPHY, LIMB-GIRDLE, AUTOSOMAL RECESSIVE 17. Identifiers: Orphanet 254361, MedGen C3150989, MONDO:0013390, OMIM 613723.
Epidermolysis bullosa simplex 5B, with muscular dystrophy (EBS5B). Also called: EPIDERMOLYSIS BULLOSA SIMPLEX AND LIMB-GIRDLE MUSCULAR DYSTROPHY; Epidermolysis bullosa simplex with muscular dystrophy. Identifiers: Orphanet 257, MedGen C2931072, MONDO:0009181, OMIM 226670.
Epidermolysis bullosa simplex with nail dystrophy (EBS5D). Identifiers: MedGen C4225309, MONDO:0014661, OMIM 616487.
Inborn genetic diseases. Identifiers: MedGen C0950123, MeSH D030342.

Allele frequency attached by ClinVar (database versions not stated): gnomAD exomes 0.00003; TOPMed 0.00005; gnomAD 0.00006; ExAC 0.00007; ESP Exome Variant Server 0.00008; 1000 Genomes Project 30x 0.00016; 1000 Genomes Project 0.00020.
gnomAD v4.1: 56 of 1,598,494 alleles (0.0035%); highest among the groups gnomAD compares: East Asian, 0.0089%; no homozygotes.

Submissions (4):

PreventionGenetics, part of Exact Sciences
Classification: Uncertain significance for PLEC-related condition. Last evaluated: 2026-09-09. Review status: criteria provided, single submitter. Criteria: ACMG Guidelines, 2015. Collection method: clinical testing. Allele origin: germline.
Comment: The PLEC c.5776C>T variant is predicted to result in the amino acid substitution p.Arg1926Cys. To our knowledge, this variant has not been reported in the literature. This variant is reported in 0.0075% of alleles in individuals of European (Non-Finnish) descent in gnomAD. At this time, the clinical significance of this variant is uncertain due to the absence of conclusive functional and genetic evidence.

Labcorp Genetics (formerly Invitae), Labcorp
Classification: Uncertain significance for Autosomal recessive limb-girdle muscular dystrophy type 2Q; Epidermolysis bullosa simplex, Ogna type; Epidermolysis bullosa simplex with nail dystrophy; Epidermolysis bullosa simplex 5C, with pyloric atresia; Epidermolysis bullosa simplex 5B, with muscular dystrophy. Last evaluated: 2025-05-19. Review status: criteria provided, single submitter. Criteria: Invitae Variant Classification Sherloc (09022015). Collection method: clinical testing. Allele origin: germline.
Comment: This sequence change replaces arginine, which is basic and polar, with cysteine, which is neutral and slightly polar, at codon 1926 of the PLEC protein (p.Arg1926Cys). This variant is present in population databases (rs376723477, gnomAD 0.008%). This variant has not been reported in the literature in individuals affected with PLEC-related conditions. ClinVar contains an entry for this variant (Variation ID: 2055636). Experimental studies and prediction algorithms are not available or were not evaluated, and the functional significance of this variant is currently unknown. In summary, the available evidence is currently insufficient to determine the role of this variant in disease. Therefore, it has been classified as a Variant of Uncertain Significance.

Ambry Genetics
Classification: Uncertain significance for Inborn genetic diseases. Last evaluated: 2025-03-30. Review status: criteria provided, single submitter. Criteria: Ambry Variant Classification Scheme 2023. Collection method: clinical testing. Allele origin: germline.

Women's Health and Genetics/Laboratory Corporation of America, LabCorp
Classification: Uncertain significance. Last evaluated: 2024-05-02. Review status: criteria provided, single submitter. Criteria: LabCorp Variant Classification Summary - May 2015. Collection method: clinical testing. Allele origin: germline.
Comment: Variant summary: PLEC1 c.5776C>T (p.Arg1926Cys) results in a non-conservative amino acid change in the encoded protein sequence. Five of five in-silico tools predict a damaging effect of the variant on protein function. The variant allele was found at a frequency of 5.4e-05 in 260246 control chromosomes. To our knowledge, no occurrence of c.5776C>T in individuals affected with PLEC1-Related Disorders and no experimental evidence demonstrating its impact on protein function have been reported. ClinVar contains an entry for this variant (Variation ID: 2055636). Based on the evidence outlined above, the variant was classified as uncertain significance.

NM_201384.3(PLEC):c.5695C>T (p.Arg1899Cys)

Gene: PLEC (plectin; minus strand). Cytogenetic location: 8q24.3.
Variant type: single nucleotide variant.
Coding change: c.5695C>T on transcript NM_201384.3 (MANE Select); coding-DNA position 5695, C replaced by T.
Protein change: p.Arg1899Cys; replaces arginine 1899 with cysteine.
Molecular consequence: missense variant.
Genome position (GRCh38, 1-based): chr8:143,924,234, G>A on the plus strand (C>T on the coding strand, the complement: PLEC is on the minus strand). VCF-style: chr8-143924234-G-A. GRCh37 (hg19) VCF-style: chr8-144998402-G-A.
Other names: c.5776C>T (NM_000445.3, NM_000445.4); c.5776C>T, p.Arg1926Cys (NM_000445.5); c.5653C>T, p.Arg1885Cys (NM_201378.4); c.5629C>T, p.Arg1877Cys (NM_201379.3); c.6106C>T, p.Arg2036Cys (NM_201380.4); c.5599C>T, p.Arg1867Cys (NM_201381.3); c.5695C>T, p.Arg1899Cys (NM_201382.4); c.5707C>T, p.Arg1903Cys (NM_201383.3); short protein forms R1899C, R1926C, R1877C, R1885C, R1867C, R2036C, R1903C.
Identifiers: ClinVar variation 2055636 (VCV002055636.7), dbSNP rs376723477, ClinGen allele CA4926271.